The following is an entry in ClinVar:

ClinVar aggregate classification (germline): Conflicting classifications of pathogenicity. Review status: criteria provided, conflicting classifications (1 of 4 stars). 2 submissions from 2 submitters: Likely pathogenic (1); Uncertain significance (1). Last evaluated 2023-12-18.

Conditions:
ARL3-related disorder. Also called: ARL3-related condition.

Submissions (2):

Blueprint Genetics
Classification: Likely pathogenic for ARL3-related disorders. Last evaluated: 2023-12-18. Review status: criteria provided, single submitter. Criteria: ACMG Guidelines, 2015. Collection method: clinical testing. Allele origin: germline. Affected: yes. Observed: 5 variant alleles.

Labcorp Genetics (formerly Invitae), Labcorp
Classification: Uncertain significance. Last evaluated: 2019-07-28. Review status: criteria provided, single submitter. Criteria: Invitae Variant Classification Sherloc (09022015). Collection method: clinical testing. Allele origin: germline.
Comment: Algorithms developed to predict the effect of missense changes on protein structure and function (SIFT, PolyPhen-2, Align-GVGD) all suggest that this variant is likely to be disruptive, but these predictions have not been confirmed by published functional studies and their clinical significance is uncertain. This variant has not been reported in the literature in individuals with ARL3-related conditions. This variant is not present in population databases (ExAC no frequency). This sequence change replaces aspartic acid with valine at codon 67 of the ARL3 protein (p.Asp67Val). The aspartic acid residue is highly conserved and there is a large physicochemical difference between aspartic acid and valine. In summary, the available evidence is currently insufficient to determine the role of this variant in disease. Therefore, it has been classified as a Variant of Uncertain Significance.

NM_004311.4(ARL3):c.200A>T (p.Asp67Val)

Gene: ARL3 (ARF like GTPase 3; minus strand). Cytogenetic location: 10q24.32.
Variant type: single nucleotide variant.
Coding change: c.200A>T on transcript NM_004311.4 (MANE Select); coding-DNA position 200, A replaced by T.
Protein change: p.Asp67Val; replaces aspartic acid 67 with valine.
Molecular consequence: missense variant.
Genome position (GRCh38, 1-based): chr10:102,699,437, T>A on the plus strand (A>T on the coding strand, the complement: ARL3 is on the minus strand). VCF-style: chr10-102699437-T-A. GRCh37 (hg19) VCF-style: chr10-104459194-T-A.
Other names: short protein forms D67V.
Identifiers: ClinVar variation 943837 (VCV000943837.10), dbSNP rs2064266324, ClinGen allele CA377922785.